The following is an entry in ClinVar:

ClinVar aggregate classification (germline): Likely pathogenic. Review status: criteria provided, multiple submitters, no conflicts (2 of 4 stars). 6 submissions from 6 submitters: Likely pathogenic (4). 2 of the submissions do not count toward it. Last evaluated 2025-05-21.

Conditions:
Autosomal recessive polycystic kidney disease (ARPKD). Also called: AR polycystic kidney disease. Identifiers: Orphanet 731, Orphanet 8378, MedGen C0085548, MeSH D017044, MONDO:0009889.
PKHD1-related disorder. Also called: PKHD1-related condition.
Polycystic kidney disease 4 (PKD4). Also called: POLYCYSTIC KIDNEY AND HEPATIC DISEASE 1; POLYCYSTIC KIDNEY DISEASE, INFANTILE, TYPE I; Autosomal Recessive Polycystic Kidney Disease – PKHD1; PKD3; POLYCYSTIC KIDNEY DISEASE 4 WITH OR WITHOUT POLYCYSTIC LIVER DISEASE. Identifiers: MedGen C4540575, MONDO:0033004, OMIM 263200.

Allele frequency attached by ClinVar (database versions not stated): gnomAD exomes below 0.00001; TOPMed 0.00001.
gnomAD v4.1: 1 of 1,586,940 alleles (0.000063%); highest among the groups gnomAD compares: East Asian, 0.0022%; no homozygotes.

Submissions (6):

PreventionGenetics, part of Exact Sciences
Classification: Likely pathogenic for PKHD1-related condition. Last evaluated: 2025-05-21. Review status: criteria provided, single submitter. Criteria: ACMG Guidelines, 2015. Collection method: clinical testing. Allele origin: germline.
Comment: The PKHD1 c.6809-2A>T variant is predicted to disrupt the AG splice acceptor site and interfere with normal splicing. This variant has been reported with a nonsense variant in cis and a missense variant in trans in an individual with autosomal recessive polycystic kidney disease (ARPKD) (Qian et al. 2024. PubMed ID: 39093746). This variant was also reported in two carrier screen studies (Table S9, Zhao et al. 2019. PubMed ID: 30275481; Table S3, Chau et al. 2022. PubMed ID: 35314707). This variant has been reported by multiple laboratories in ClinVar as likely pathogenic. This variant has not been reported in a large population database (gnomAD), indicating this variant is rare. Variants that disrupt the consensus splice acceptor site in PKHD1 are expected to be pathogenic. This variant is interpreted as likely pathogenic.

Labcorp Genetics (formerly Invitae), Labcorp
Classification: Likely pathogenic for Autosomal recessive polycystic kidney disease. Last evaluated: 2024-01-25. Review status: criteria provided, single submitter. Criteria: Invitae Variant Classification Sherloc (09022015). Collection method: clinical testing. Allele origin: germline.
Comment: This sequence change affects an acceptor splice site in intron 41 of the PKHD1 gene. It is expected to disrupt RNA splicing. Variants that disrupt the donor or acceptor splice site typically lead to a loss of protein function (PMID: 16199547), and loss-of-function variants in PKHD1 are known to be pathogenic (PMID: 19940839). This variant is not present in population databases (gnomAD no frequency). This variant has not been reported in the literature in individuals affected with PKHD1-related conditions. ClinVar contains an entry for this variant (Variation ID: 649517). Algorithms developed to predict the effect of sequence changes on RNA splicing suggest that this variant may disrupt the consensus splice site. In summary, the currently available evidence indicates that the variant is pathogenic, but additional data are needed to prove that conclusively. Therefore, this variant has been classified as Likely Pathogenic.

Women's Health and Genetics/Laboratory Corporation of America, LabCorp
Classification: Likely pathogenic for Autosomal recessive polycystic kidney disease. Last evaluated: 2023-11-30. Review status: criteria provided, single submitter. Criteria: LabCorp Variant Classification Summary - May 2015. Collection method: clinical testing. Allele origin: germline.
Comment: Variant summary: PKHD1 c.6809-2A>T is located in a canonical splice-site and is predicted to affect mRNA splicing resulting in a significantly altered protein due to either exon skipping, shortening, or inclusion of intronic material. Several computational tools predict a significant impact on normal splicing: Four predict the variant abolishes a 3 acceptor site. However, these predictions have yet to be confirmed by functional studies. The variant was absent in 250822 control chromosomes (gnomAD). To our knowledge, no occurrence of c.6809-2A>T in individuals affected with Polycystic Kidney And Hepatic Disease and no experimental evidence demonstrating its impact on protein function have been reported. The following publications have been ascertained in the context of this evaluation (PMID: 35314707, 30275481). Two submitters have cited clinical-significance assessments for this variant to ClinVar after 2014. All submitters classified the variant as likely pathogenic. Based on the evidence outlined above, the variant was classified as likely pathogenic.

Juno Genomics, Hangzhou Juno Genomics, Inc
Classification: Likely pathogenic for Polycystic kidney disease 4. Review status: criteria provided, single submitter. Criteria: ACMG Guidelines, 2015. Collection method: clinical testing. Allele origin: germline.
Comment: Absent from controls (or at extremely low frequency if recessive) in Genome Aggregation Database.;Null variant in a gene where loss of function (LOF) is a known mechanism of disease.;For recessive disorders, detected in trans with a pathogenic variant.;Patient's phenotype or family history is highly specific for a disease with a single genetic etiology.

Natera, Inc.
Classification: Likely pathogenic for Autosomal recessive polycystic kidney disease. Last evaluated: 2020-09-16. Review status: no assertion criteria provided. Collection method: clinical testing. Allele origin: germline. Not counted in ClinVar's aggregate classification.

Baylor Genetics
Classification: Likely pathogenic for Polycystic kidney disease 4. Review status: no assertion criteria provided. Collection method: clinical testing. Allele origin: unknown. Not counted in ClinVar's aggregate classification.

Literature cited by the submitters: PubMed 16199547 (cited by Labcorp Genetics (formerly Invitae), Labcorp); PubMed 19940839 (cited by Labcorp Genetics (formerly Invitae), Labcorp); PubMed 30275481 (cited by Women's Health and Genetics/Laboratory Corporation of America, LabCorp); PubMed 35314707 (cited by Women's Health and Genetics/Laboratory Corporation of America, LabCorp).

NM_138694.4(PKHD1):c.6809-2A>T

Gene: PKHD1 (PKHD1 ciliary IPT domain containing fibrocystin/polyductin; minus strand). Cytogenetic location: 6p12.2.
Variant type: single nucleotide variant.
Coding change: c.6809-2A>T on transcript NM_138694.4 (MANE Select); the canonical splice acceptor site of the intron before coding-DNA position 6809, A replaced by T.
Molecular consequence: splice acceptor variant.
Genome position (GRCh38, 1-based): chr6:51,904,044, T>A on the plus strand (A>T on the coding strand, the complement: PKHD1 is on the minus strand). VCF-style: chr6-51904044-T-A. GRCh37 (hg19) VCF-style: chr6-51768842-T-A.
Other names: c.6809-2A>T (NM_170724.3).
Identifiers: ClinVar variation 649517 (VCV000649517.15), dbSNP rs1340926191, ClinGen allele CA364430851.